The following is an entry in ClinVar:

ClinVar aggregate classification (germline): Uncertain significance (1 of 4 stars; one submission).

Conditions:
Fetal anomalies with a likely genetic cause.

Submission:

Genetics Laboratory, Great Ormond Street Hospital NHS Foundation Trust, North Thames Genomic Laboratory Hub
Classification: Uncertain significance for Fetal anomalies with a likely genetic cause. Last evaluated: 2026-06-29. Review status: criteria provided, single submitter. Criteria: ACGS Best Practice Guidelines for Variant Classification in Rare Disease 2024 v1.2. Collection method: clinical testing. Allele origin: germline. Affected: yes.
Comment: PM2_moderate, PVS1_moderate

NM_004239.4(TRIP11):c.5794_5795del (p.Leu1932fs)

Gene: TRIP11 (thyroid hormone receptor interactor 11; minus strand). Cytogenetic location: 14q32.12.
Variant type: Microsatellite.
Coding change: c.5794_5795del on transcript NM_004239.4 (MANE Select); coding-DNA positions 5794 to 5795, 2 bases deleted (CT; older notation c.5794_5795delCT).
Protein change: p.Leu1932fs; shifts the reading frame from leucine 1932.
Molecular consequence: frameshift variant.
Genome position (GRCh38, 1-based): chr14:91,969,818-91,969,819, AG deleted on the plus strand (CT on the coding strand, the reverse complement: TRIP11 is on the minus strand); deleting any 2 consecutive bases within chr14:91,969,818-91,969,821 gives the same sequence; the c. name uses the placement nearest the transcript's 3' end. VCF-style (leftmost placement, unchanged base first): chr14-91969817-AAG-A. GRCh37 (hg19) VCF-style: chr14-92436161-AAG-A.
Other names: c.5791_5792del, p.Leu1931fs (NM_001321851.1); short protein forms L1931fs, L1932fs.
Identifiers: ClinVar variation 4886970 (VCV004886970.1).
Genomic context (GRCh38, chr14:91,969,817, plus strand): 5'-TGAGATGGGTTTCAGAAGAAGATGCCCGGGCCCACCAGGTCCAAGTCCAGCTGGGTTAAT[AAG>A]AGGTACAGCTGCCGAGCGAGGAGCCAAAAACGGATTTACATCTGTTCTTCTACCAGACCT-3'